The following is an entry in ClinVar:

NM_002755.4(MAP2K1):c.1146C>A (p.Asn382Lys)

Genes: MAP2K1 (mitogen-activated protein kinase kinase 1; plus strand), SNAPC5 (small nuclear RNA activating complex polypeptide 5; minus strand). Cytogenetic location: 15q22.31.
Variant type: single nucleotide variant.
Coding change: c.1146C>A on transcript NM_002755.4 (MANE Select); coding-DNA position 1146, C replaced by A.
Protein change: p.Asn382Lys; replaces asparagine 382 with lysine.
Molecular consequence: missense variant. On other transcripts: 3 prime UTR variant (1), non-coding transcript variant (1).
Genome position (GRCh38, 1-based): chr15:66,490,579, C>A. VCF-style: chr15-66490579-C-A. GRCh37 (hg19) VCF-style: chr15-66782917-C-A.
Other names: c.*160G>T (NM_006049.4); c.1002C>A, p.Asn334Lys (NM_001411065.1); short protein forms N334K, N382K.
Identifiers: ClinVar variation 2319773 (VCV002319773.2), dbSNP rs2140687038, ClinGen allele CA392939103.

ClinVar aggregate classification (germline): Uncertain significance (1 of 4 stars; one submission).

Conditions:
Cardiovascular phenotype. Identifiers: MedGen CN230736.

Submission:

Ambry Genetics
Classification: Uncertain significance for Cardiovascular phenotype. Last evaluated: 2022-10-26. Review status: criteria provided, single submitter. Criteria: Ambry Variant Classification Scheme 2023. Collection method: clinical testing. Allele origin: germline.
Comment: The c.1146C>A (p.N382K) alteration is located in exon 11 (coding exon 11) of the MAP2K1 gene. This alteration results from a C to A substitution at nucleotide position 1146, causing the asparagine (N) at amino acid position 382 to be replaced by a lysine (K). This variant was not reported in population-based cohorts in the Genome Aggregation Database (gnomAD). This amino acid position is not well conserved in available vertebrate species. This alteration is predicted to be tolerated by in silico analysis. Based on insufficient or conflicting evidence, the clinical significance of this alteration remains unclear.